The following is an entry in ClinVar:

NM_000540.3(RYR1):c.2879T>C (p.Met960Thr)

Gene: RYR1 (ryanodine receptor 1; plus strand). Cytogenetic location: 19q13.2.
Variant type: single nucleotide variant.
Coding change: c.2879T>C on transcript NM_000540.3 (MANE Select); coding-DNA position 2879, T replaced by C.
Protein change: p.Met960Thr; replaces methionine 960 with threonine.
Molecular consequence: missense variant.
Genome position (GRCh38, 1-based): chr19:38,466,099, T>C. VCF-style: chr19-38466099-T-C. GRCh37 (hg19) VCF-style: chr19-38956739-T-C.
Other names: c.2879T>C, p.Met960Thr (NM_001042723.2); short protein forms M960T.
Identifiers: ClinVar variation 3074198 (VCV003074198.1), dbSNP rs2514092764, ClinGen allele CA405634626.

ClinVar aggregate classification (germline): Uncertain significance (1 of 4 stars; one submission).

Conditions:
Malignant hyperthermia, susceptibility to, 1 (MHS1). Also called: Anesthesia related hyperthermia; Malignant hyperpyrexia; Fulminating hyperpyrexia; Pharmacogenic myopathy; RYR1-Related Malignant Hyperthermia Susceptibility; Malignant hyperthermia suceptibility 1. Identifiers: Orphanet 423, MedGen C2930980, MONDO:0007783, OMIM 145600.

Allele frequency attached by ClinVar (database versions not stated): gnomAD exomes below 0.00001.
gnomAD v4.1: 1 of 1,610,196 alleles (0.000062%); highest among the groups gnomAD compares: Non-Finnish European, 0.000085%; no homozygotes.

Submission:

All of Us Research Program, National Institutes of Health
Classification: Uncertain significance for Malignant hyperthermia, susceptibility to, 1. Last evaluated: 2023-11-02. Review status: criteria provided, single submitter. Criteria: ACMG Guidelines, 2015. Collection method: clinical testing. Allele origin: germline. Inheritance: Autosomal dominant inheritance. Observed: 1 variant allele, 1 heterozygote.
Comment: This missense variant replaces methionine with threonine at codon 960 of the RYR1 protein. Computational prediction is inconclusive regarding the impact of this variant on protein structure and function (internally defined REVEL score threshold 0.5 < inconclusive < 0.7, PMID: 27666373). To our knowledge, functional studies have not been reported for this variant. This variant has not been reported in individuals affected with RYR1-related disorders in the literature. This variant has not been identified in the general population by the Genome Aggregation Database (gnomAD). The available evidence is insufficient to determine the role of this variant in disease conclusively. Therefore, this variant is classified as a Variant of Uncertain Significance.

This study involves interpretation of variants in research participants for the purpose of population health screening. Participant phenotype was not available at the time of variant classification. Additional details can be found in publication PMID: 35346344, PMCID: PMC8962531